The following is an entry in ClinVar:

ClinVar aggregate classification (germline): Uncertain significance (1 of 4 stars; one submission).

Conditions:
Intellectual developmental disorder, autosomal dominant 1. Also called: Intellectual disability, autosomal dominant 1; MBD5 Haploinsufficiency. Identifiers: Orphanet 228402, MedGen C1969562, MONDO:0007974, OMIM 156200.

Allele frequency attached by ClinVar (database versions not stated): TOPMed below 0.00001; gnomAD exomes below 0.00001.
gnomAD v4.1: 2 of 1,614,030 alleles (0.00012%); highest among the groups gnomAD compares: South Asian, 0.0011%; no homozygotes.

Submission:

Labcorp Genetics (formerly Invitae), Labcorp
Classification: Uncertain significance for Intellectual developmental disorder, autosomal dominant 1. Last evaluated: 2022-11-24. Review status: criteria provided, single submitter. Criteria: Invitae Variant Classification Sherloc (09022015). Collection method: clinical testing. Allele origin: germline.
Comment: Advanced modeling of protein sequence and biophysical properties (such as structural, functional, and spatial information, amino acid conservation, physicochemical variation, residue mobility, and thermodynamic stability) has been performed at Invitae for this missense variant, however the output from this modeling did not meet the statistical confidence thresholds required to predict the impact of this variant on MBD5 protein function. In summary, the available evidence is currently insufficient to determine the role of this variant in disease. Therefore, it has been classified as a Variant of Uncertain Significance. This variant is not present in population databases (gnomAD no frequency). ClinVar contains an entry for this variant (Variation ID: 1475203). This variant has not been reported in the literature in individuals affected with MBD5-related conditions. This sequence change replaces glycine, which is neutral and non-polar, with arginine, which is basic and polar, at codon 420 of the MBD5 protein (p.Gly420Arg).

NM_001378120.1(MBD5):c.1258G>A (p.Gly420Arg)

Gene: MBD5 (methyl-CpG binding domain protein 5; plus strand). Cytogenetic location: 2q23.1.
Variant type: single nucleotide variant.
Coding change: c.1258G>A on transcript NM_001378120.1 (MANE Select); coding-DNA position 1258, G replaced by A.
Protein change: p.Gly420Arg; replaces glycine 420 with arginine.
Molecular consequence: missense variant.
Genome position (GRCh38, 1-based): chr2:148,469,201, G>A. VCF-style: chr2-148469201-G-A. GRCh37 (hg19) VCF-style: chr2-149226770-G-A.
Other names: c.1258G>A, p.Gly420Arg (NM_018328.5); short protein forms G420R.
Identifiers: ClinVar variation 1475203 (VCV001475203.6), dbSNP rs1352167434, ClinGen allele CA348719312.